The following is an entry in ClinVar:

NM_018451.5(CPAP):c.3663G>A (p.Pro1221=)

Genes: CPAP (centrosome assembly and centriole elongation protein; minus strand), RNF17 (ring finger protein 17; plus strand). Cytogenetic location: 13q12.12.
Variant type: single nucleotide variant.
Coding change: c.3663G>A on transcript NM_018451.5 (MANE Select); coding-DNA position 3663, G replaced by A.
Protein change: p.Pro1221=; no amino-acid change (proline 1221 retained).
Molecular consequence: synonymous variant. On other transcripts: non-coding transcript variant (2).
Genome position (GRCh38, 1-based): chr13:24,884,201, C>T on the plus strand (G>A on the coding strand, the complement: CPAP is on the minus strand). VCF-style: chr13-24884201-C-T. GRCh37 (hg19) VCF-style: chr13-25458339-C-T.
Identifiers: ClinVar variation 286071 (VCV000286071.19), dbSNP rs200291056, ClinGen allele CA6919195.
Genomic context (GRCh38, chr13:24,884,201, plus strand): 5'-AGGGTGGAGCAAGTTTGTACCTATTTGTCCACTTGAGAAATGTAAGACTTCCAGTCCCTC[C>T]GGGTATGTCGTGTGAGTGGTCTGGGCAGCTGCATAGTAGTAGATCTGTAAAGACACACAG-3'
Protein context (NP_060921.3, residues 1211-1231): AAAQTTHTTY[Pro1221=]EGLEVLHFSS

ClinVar aggregate classification (germline): Conflicting classifications of pathogenicity. Review status: criteria provided, conflicting classifications (1 of 4 stars). 4 submissions from 4 submitters: Uncertain significance (1); Likely benign (3). Last evaluated 2026-01-20.

Allele frequency attached by ClinVar (database versions not stated): ExAC 0.00007; gnomAD 0.00007 and 0.00009; TOPMed 0.00009; gnomAD exomes 0.00021 and 0.00006.
gnomAD v4.1: 324 of 1,614,008 alleles (0.02%); highest among the groups gnomAD compares: Non-Finnish European, 0.026%; no homozygotes.

Submissions (4):

Labcorp Genetics (formerly Invitae), Labcorp
Classification: Likely benign. Last evaluated: 2026-01-20. Review status: criteria provided, single submitter. Criteria: Invitae Variant Classification Sherloc (09022015). Collection method: clinical testing. Allele origin: germline.

CeGaT Center for Human Genetics Tuebingen
Classification: Likely benign. Last evaluated: 2025-08-01. Review status: criteria provided, single submitter. Criteria: CeGaT Center For Human Genetics Tuebingen Variant Classification Criteria Version 2. Collection method: clinical testing. Allele origin: germline. Affected: yes. Observed: 1 variant allele.
Comment: CPAP: BP4, BP7

Blueprint Genetics
Classification: Likely benign. Last evaluated: 2024-09-12. Review status: criteria provided, single submitter. Criteria: ACMG Guidelines, 2015. Collection method: clinical testing. Allele origin: germline.

Eurofins Ntd Llc (ga)
Classification: Uncertain significance. Last evaluated: 2016-02-12. Review status: criteria provided, single submitter. Criteria: EGL Classification Definitions 2015. Collection method: clinical testing. Allele origin: germline. Observed: 1 variant allele, 1 heterozygote.